The following is an entry in ClinVar:

NM_000059.4(BRCA2):c.6839_6840insA (p.Glu2282fs)

Gene: BRCA2 (BRCA2 DNA repair associated; plus strand). Cytogenetic location: 13q13.1.
Variant type: Insertion.
Coding change: c.6839_6840insA on transcript NM_000059.4 (MANE Select); coding-DNA positions 6839 to 6840, A inserted.
Protein change: p.Glu2282fs; shifts the reading frame from glutamic acid 2282.
Molecular consequence: frameshift variant.
Genome position: GRCh38 VCF-style: chr13-32341194-T-TA. GRCh37 (hg19) VCF-style: chr13-32915331-T-TA.
Other names: short protein forms E2282fs.
Identifiers: ClinVar variation 495100 (VCV000495100.5), dbSNP rs1555284866, ClinGen allele CA658683814.

ClinVar aggregate classification (germline): Pathogenic. Review status: criteria provided, multiple submitters, no conflicts (2 of 4 stars). 3 submissions from 3 submitters: Pathogenic (3). Last evaluated 2024-05-29.

Conditions:
Hereditary breast ovarian cancer syndrome. Also called: Hereditary breast and ovarian cancer syndrome (HBOC); Breast and ovarian cancer; Hereditary breast and ovarian cancer; BRCA1- and BRCA2-Associated Hereditary Breast and Ovarian Cancer; Hereditary breast and/or ovarian cancer syndrome; Hereditary breast and ovarian cancer syndrome. Identifiers: Orphanet 145, MedGen C0677776, MeSH D061325, MONDO:0003582. Disease mechanism: loss of function.
Breast-ovarian cancer, familial, susceptibility to, 2 (BROVCA2). Also called: BRCA2 Hereditary Breast and Ovarian Cancer. Identifiers: Orphanet 145, MedGen C2675520, MONDO:0012933, OMIM 612555. Disease mechanism: loss of function.

Submissions (3):

Labcorp Genetics (formerly Invitae), Labcorp
Classification: Pathogenic for Hereditary breast ovarian cancer syndrome. Last evaluated: 2024-05-29. Review status: criteria provided, single submitter. Criteria: Invitae Variant Classification Sherloc (09022015). Collection method: clinical testing. Allele origin: germline.
Comment: This sequence change creates a premature translational stop signal (p.Glu2282Argfs*11) in the BRCA2 gene. It is expected to result in an absent or disrupted protein product. Loss-of-function variants in BRCA2 are known to be pathogenic (PMID: 20104584). This variant is not present in population databases (gnomAD no frequency). This premature translational stop signal has been observed in individual(s) with ovarian cancer (PMID: 35409996). ClinVar contains an entry for this variant (Variation ID: 495100). For these reasons, this variant has been classified as Pathogenic.

Myriad Genetics, Inc.
Classification: Pathogenic for Breast-ovarian cancer, familial, susceptibility to, 2. Last evaluated: 2024-05-03. Review status: criteria provided, single submitter. Criteria: Myriad Autosomal Dominant, Autosomal Recessive and X-Linked Classification Criteria (2023). Collection method: clinical testing. Allele origin: unknown.
Comment: This variant is considered pathogenic. This variant creates a frameshift predicted to result in premature protein truncation.

GeneKor MSA
Classification: Pathogenic. Last evaluated: 2020-01-01. Review status: criteria provided, single submitter. Criteria: ACMG Guidelines, 2015. Collection method: clinical testing. Allele origin: germline.
Comment: This sequence change inserts one nucleotide in exon 11 of BRCA2 mRNA (c.6839_6840insA), causing a frameshift at codon 2282 and the creation of a premature translation stop signal 11 amino acid residues later. This is expected to result in an absent or disrupted protein product. Truncating variants in BRCA2 are known to be pathogenic. To our knowledge this variant has not been reported in the international literature but based on its effect on the protein it is suspected to be pathogenic.

Literature cited by the submitters: PubMed 20104584 (cited by Labcorp Genetics (formerly Invitae), Labcorp); PubMed 35409996 (cited by Labcorp Genetics (formerly Invitae), Labcorp).